The following is an entry in ClinVar:

ClinVar aggregate classification (germline): Uncertain significance. Review status: criteria provided, multiple submitters, no conflicts (2 of 4 stars). 7 submissions from 7 submitters: Uncertain significance (7). Last evaluated 2025-11-11.

Conditions:
Inborn genetic diseases. Identifiers: MedGen C0950123, MeSH D030342.
Microcephaly 5, primary, autosomal recessive (MCPH5). Also called: ASPM Primary Microcephaly. Identifiers: Orphanet 2512, MedGen C1837501, MONDO:0012106, OMIM 608716.

Allele frequency attached by ClinVar (database versions not stated): ESP Exome Variant Server 0.00008; TOPMed 0.00008; gnomAD 0.00016.
gnomAD v4.1: 147 of 1,610,242 alleles (0.0091%); highest among the groups gnomAD compares: African/African-American, 0.039%; no homozygotes.

Submissions (7):

Labcorp Genetics (formerly Invitae), Labcorp
Classification: Uncertain significance. Last evaluated: 2025-11-11. Review status: criteria provided, single submitter. Criteria: Invitae Variant Classification Sherloc (09022015). Collection method: clinical testing. Allele origin: germline.
Comment: This sequence change replaces arginine, which is basic and polar, with histidine, which is basic and polar, at codon 1405 of the ASPM protein (p.Arg1405His). This variant is present in population databases (rs143092798, gnomAD 0.01%). This variant has not been reported in the literature in individuals affected with ASPM-related conditions. ClinVar contains an entry for this variant (Variation ID: 210356). Invitae Evidence Modeling of protein sequence and biophysical properties (such as structural, functional, and spatial information, amino acid conservation, physicochemical variation, residue mobility, and thermodynamic stability) indicates that this missense variant is not expected to disrupt ASPM protein function with a negative predictive value of 80%. In summary, the available evidence is currently insufficient to determine the role of this variant in disease. Therefore, it has been classified as a Variant of Uncertain Significance.

Genome-Nilou Lab
Classification: Uncertain significance for Microcephaly 5, primary, autosomal recessive. Last evaluated: 2023-04-11. Review status: criteria provided, single submitter. Criteria: ACMG Guidelines, 2015. Collection method: clinical testing. Allele origin: germline. Affected: no.

Ambry Genetics
Classification: Uncertain significance for Inborn genetic diseases. Last evaluated: 2022-06-03. Review status: criteria provided, single submitter. Criteria: Ambry Variant Classification Scheme 2023. Collection method: clinical testing. Allele origin: germline.

Baylor Genetics
Classification: Uncertain significance for Microcephaly 5, primary, autosomal recessive. Last evaluated: 2020-06-10. Review status: criteria provided, single submitter. Criteria: ACMG Guidelines, 2015. Collection method: clinical testing. Allele origin: unknown. Affected: yes.
Comment: This variant was determined to be of uncertain significance according to ACMG Guidelines, 2015 [PMID:25741868].

Fulgent Genetics
Classification: Uncertain significance for Microcephaly 5, primary, autosomal recessive. Last evaluated: 2018-10-31. Review status: criteria provided, single submitter. Criteria: ACMG Guidelines, 2015. Collection method: clinical testing. Allele origin: unknown.

GeneDx
Classification: Uncertain significance. Last evaluated: 2017-06-21. Review status: criteria provided, single submitter. Criteria: GeneDx Variant Classification (06012015). Collection method: clinical testing. Allele origin: germline. Affected: yes.
Comment: A variant of uncertain significance has been identified in the ASPM gene. The R1405H variant has not been published in association with brain malformations to our knowledge. The R1405H variant is observed in 2/10258 (0.02%) alleles from individuals of African background, in the ExAC dataset and 1 homozygous individual undergoing testing at GeneDx (Lek et al., 2016; 1000 Genomes Consortium et al., 2015; Exome Variant Server). The R1405H variant is a conservative amino acid substitution, which is not likely to impact secondary protein structure as these residues share similar properties. However, this substitution occurs at a position that is conserved across species, and in silico analysis predicts this variant is probably damaging to the protein structure/function. Therefore, based on the currently available information, it is unclear whether this variant is a pathogenic variant or a rare benign variant.

Genetic Services Laboratory, University of Chicago
Classification: Uncertain significance. Last evaluated: 2014-08-26. Review status: criteria provided, single submitter. Criteria: ACMG Guidelines, 2015. Collection method: clinical testing. Allele origin: germline.

NM_018136.5(ASPM):c.4214G>A (p.Arg1405His)

Gene: ASPM (assembly factor for spindle microtubules; minus strand). Cytogenetic location: 1q31.3.
Variant type: single nucleotide variant.
Coding change: c.4214G>A on transcript NM_018136.5 (MANE Select); coding-DNA position 4214, G replaced by A.
Protein change: p.Arg1405His; replaces arginine 1405 with histidine.
Molecular consequence: missense variant. On other transcripts: intron variant (1).
Genome position (GRCh38, 1-based): chr1:197,105,037, C>T on the plus strand (G>A on the coding strand, the complement: ASPM is on the minus strand). VCF-style: chr1-197105037-C-T. GRCh37 (hg19) VCF-style: chr1-197074167-C-T.
Other names: c.4066-8873G>A (NM_001206846.2); short protein forms R1405H.
Identifiers: ClinVar variation 210356 (VCV000210356.14), dbSNP rs143092798, ClinGen allele CA208062.